The following is an entry in ClinVar:

ClinVar aggregate classification (germline): Conflicting classifications of pathogenicity. Review status: criteria provided, conflicting classifications (1 of 4 stars). 3 submissions from 3 submitters: Uncertain significance (2); Benign (1). Last evaluated 2025-07-18.

Conditions:
Ovarian cancer. Also called: OVARIAN CANCER, SOMATIC. Identifiers: Orphanet 213500, MedGen C1140680, MONDO:0008170, OMIM 167000.
Hereditary cancer-predisposing syndrome. Also called: Neoplastic Syndromes, Hereditary; Tumor predisposition; Hereditary Cancer Syndrome; Hereditary neoplastic syndrome. Identifiers: Orphanet 140162, MedGen C0027672, MeSH D009386, MONDO:0015356.

Allele frequency attached by ClinVar (database versions not stated): gnomAD exomes below 0.00001; ExAC 0.00001; gnomAD 0.00001; TOPMed 0.00001; 1000 Genomes Project 0.00020; 1000 Genomes Project 30x 0.00031.
gnomAD v4.1: 5 of 1,606,438 alleles (0.00031%); highest among the groups gnomAD compares: South Asian, 0.0055%; 1 homozygote.

Submissions (3):

Ambry Genetics
Classification: Uncertain significance for Hereditary cancer-predisposing syndrome. Last evaluated: 2025-07-18. Review status: criteria provided, single submitter. Criteria: Ambry Variant Classification Scheme 2023. Collection method: clinical testing. Allele origin: germline.
Comment: The p.H610R variant (also known as c.1829A>G), located in coding exon 12 of the RAD50 gene, results from an A to G substitution at nucleotide position 1829. The histidine at codon 610 is replaced by arginine, an amino acid with highly similar properties. This amino acid position is well conserved in available vertebrate species. In addition, the in silico prediction for this alteration is inconclusive. Since supporting evidence is limited at this time, the clinical significance of this alteration remains unclear.

Labcorp Genetics (formerly Invitae), Labcorp
Classification: Uncertain significance for Hereditary cancer-predisposing syndrome. Last evaluated: 2022-07-19. Review status: criteria provided, single submitter. Criteria: Invitae Variant Classification Sherloc (09022015). Collection method: clinical testing. Allele origin: germline.
Comment: This variant has not been reported in the literature in individuals affected with RAD50-related conditions. This variant is present in population databases (rs527518431, gnomAD 0.003%). This sequence change replaces histidine, which is basic and polar, with arginine, which is basic and polar, at codon 610 of the RAD50 protein (p.His610Arg). ClinVar contains an entry for this variant (Variation ID: 482102). In summary, the available evidence is currently insufficient to determine the role of this variant in disease. Therefore, it has been classified as a Variant of Uncertain Significance. Algorithms developed to predict the effect of missense changes on protein structure and function (SIFT, PolyPhen-2, Align-GVGD) all suggest that this variant is likely to be tolerated.

Laboratory of Molecular Epidemiology of Birth Defects, West China Second University Hospital, Sichuan University
Classification: Benign for Ovarian cancer. Last evaluated: 2022-01-01. Review status: criteria provided, single submitter. Criteria: ACMG Guidelines, 2015. Collection method: clinical testing. Allele origin: germline. Affected: yes.

NM_005732.4(RAD50):c.1829A>G (p.His610Arg)

Gene: RAD50 (RAD50 double strand break repair protein; plus strand). Cytogenetic location: 5q31.1.
Variant type: single nucleotide variant.
Coding change: c.1829A>G on transcript NM_005732.4 (MANE Select); coding-DNA position 1829, A replaced by G.
Protein change: p.His610Arg; replaces histidine 610 with arginine.
Molecular consequence: missense variant.
Genome position (GRCh38, 1-based): chr5:132,594,904, A>G. VCF-style: chr5-132594904-A-G. GRCh37 (hg19) VCF-style: chr5-131930596-A-G.
Other names: short protein forms H610R.
Identifiers: ClinVar variation 482102 (VCV000482102.16), dbSNP rs527518431, ClinGen allele CA3405284.